The following is an entry in ClinVar:

ClinVar aggregate classification (germline): Uncertain significance (1 of 4 stars; one submission).

Conditions:
Cardiovascular phenotype. Identifiers: MedGen CN230736.

Allele frequency attached by ClinVar (database versions not stated): TOPMed below 0.00001.
gnomAD v4.1: 1 of 1,613,718 alleles (0.000062%); no homozygotes.

Submission:

Ambry Genetics
Classification: Uncertain significance for Cardiovascular phenotype. Last evaluated: 2022-05-06. Review status: criteria provided, single submitter. Criteria: Ambry Variant Classification Scheme 2023. Collection method: clinical testing. Allele origin: germline.
Comment: The p.H14R variant (also known as c.41A>G), located in coding exon 2 of the TMEM43 gene, results from an A to G substitution at nucleotide position 41. The histidine at codon 14 is replaced by arginine, an amino acid with highly similar properties. This amino acid position is conserved. In addition, this alteration is predicted to be tolerated by in silico analysis. Since supporting evidence is limited at this time, the clinical significance of this alteration remains unclear.

NM_024334.3(TMEM43):c.41A>G (p.His14Arg)

Gene: TMEM43 (transmembrane protein 43; plus strand). Cytogenetic location: 3p25.1.
Variant type: single nucleotide variant.
Coding change: c.41A>G on transcript NM_024334.3 (MANE Select); coding-DNA position 41, A replaced by G.
Protein change: p.His14Arg; replaces histidine 14 with arginine.
Molecular consequence: missense variant.
Genome position (GRCh38, 1-based): chr3:14,129,440, A>G. VCF-style: chr3-14129440-A-G. GRCh37 (hg19) VCF-style: chr3-14170940-A-G.
Other names: c.41A>G, p.His14Arg (NM_001407274.1, NM_001407275.1, NM_001407276.1 and 3 more transcripts); short protein forms H14R.
Identifiers: ClinVar variation 1738635 (VCV001738635.2), dbSNP rs1695063152, ClinGen allele CA351534212.